The following is an entry in ClinVar:

ClinVar aggregate classification (germline): Conflicting classifications of pathogenicity. Review status: criteria provided, conflicting classifications (1 of 4 stars). 4 submissions from 4 submitters: Uncertain significance (3); Likely benign (1). Last evaluated 2025-08-31.

Conditions:
NOTCH1-related disorder. Also called: NOTCH1-related condition; NOTCH1-related disorders.
Adams-Oliver syndrome 5 (AOS5). Identifiers: Orphanet 974, MedGen C4014970, MONDO:0014459, OMIM 616028.
Familial thoracic aortic aneurysm and aortic dissection (TAAD). Also called: Thoracic aortic aneurysms and dissections. Identifiers: Orphanet 91387, MedGen C4707243, MONDO:0019625.

Allele frequency attached by ClinVar (database versions not stated): gnomAD exomes 0.00001; TOPMed 0.00003.
gnomAD v4.1: 19 of 1,609,430 alleles (0.0012%); highest among the groups gnomAD compares: Non-Finnish European, 0.0015%; no homozygotes.

Submissions (4):

Ambry Genetics
Classification: Uncertain significance for Familial thoracic aortic aneurysm and aortic dissection. Last evaluated: 2025-08-31. Review status: criteria provided, single submitter. Criteria: Ambry Variant Classification Scheme 2023. Collection method: clinical testing. Allele origin: germline.
Comment: The p.T865I variant (also known as c.2594C>T), located in coding exon 17 of the NOTCH1 gene, results from a C to T substitution at nucleotide position 2594. The threonine at codon 865 is replaced by isoleucine, an amino acid with similar properties. This amino acid position is conserved. In addition, the in silico prediction for this alteration is inconclusive. Since supporting evidence is limited at this time, the clinical significance of this alteration remains unclear.

PreventionGenetics, part of Exact Sciences
Classification: Uncertain significance for NOTCH1-related condition. Last evaluated: 2023-09-05. Review status: criteria provided, single submitter. Criteria: ACMG Guidelines, 2015. Collection method: clinical testing. Allele origin: germline.
Comment: The NOTCH1 c.2594C>T variant is predicted to result in the amino acid substitution p.Thr865Ile. To our knowledge, this variant has not been reported in the literature. This variant is reported in 0.00092% of alleles in individuals of European (Non-Finnish) descent in gnomAD. At this time, the clinical significance of this variant is uncertain due to the absence of conclusive functional and genetic evidence.

Labcorp Genetics (formerly Invitae), Labcorp
Classification: Likely benign for Adams-Oliver syndrome 5. Last evaluated: 2023-06-21. Review status: criteria provided, single submitter. Criteria: Invitae Variant Classification Sherloc (09022015). Collection method: clinical testing. Allele origin: germline.

GeneDx
Classification: Uncertain significance. Last evaluated: 2023-05-03. Review status: criteria provided, single submitter. Criteria: GeneDx Variant Classification Process June 2021. Collection method: clinical testing. Allele origin: germline. Affected: yes.
Comment: Not observed at significant frequency in large population cohorts (gnomAD); In silico analysis supports that this missense variant has a deleterious effect on protein structure/function; Has not been previously published as pathogenic or benign to our knowledge

NM_017617.5(NOTCH1):c.2594C>T (p.Thr865Ile)

Gene: NOTCH1 (notch receptor 1; minus strand). Cytogenetic location: 9q34.3.
Variant type: single nucleotide variant.
Coding change: c.2594C>T on transcript NM_017617.5 (MANE Select); coding-DNA position 2594, C replaced by T.
Protein change: p.Thr865Ile; replaces threonine 865 with isoleucine.
Molecular consequence: missense variant.
Genome position (GRCh38, 1-based): chr9:136,510,799, G>A on the plus strand (C>T on the coding strand, the complement: NOTCH1 is on the minus strand). VCF-style: chr9-136510799-G-A. GRCh37 (hg19) VCF-style: chr9-139405251-G-A.
Other names: c.2594C>T (NM_017617.4); short protein forms T865I.
Identifiers: ClinVar variation 2217848 (VCV002217848.9), dbSNP rs1342719071, ClinGen allele CA375555059.